The following is an entry in ClinVar:

ClinVar aggregate classification (germline): Uncertain significance. Review status: criteria provided, multiple submitters, no conflicts (2 of 4 stars). 3 submissions from 3 submitters: Uncertain significance (2). 1 of the submissions does not count toward it. Last evaluated 2025-11-18.

Conditions:
PLXNA1-related disorder. Also called: PLXNA1-related condition.

Allele frequency attached by ClinVar (database versions not stated): ExAC 0.00001; gnomAD 0.00001; 1000 Genomes Project 30x 0.00016; 1000 Genomes Project 0.00020.

Submissions (3):

Labcorp Genetics (formerly Invitae), Labcorp
Classification: Uncertain significance. Last evaluated: 2025-11-18. Review status: criteria provided, single submitter. Criteria: Invitae Variant Classification Sherloc (09022015). Collection method: clinical testing. Allele origin: germline.
Comment: This sequence change replaces glycine, which is neutral and non-polar, with arginine, which is basic and polar, at codon 176 of the PLXNA1 protein (p.Gly176Arg). This variant is present in population databases (rs564057481, gnomAD 0.003%). This variant has not been reported in the literature in individuals affected with PLXNA1-related conditions. ClinVar contains an entry for this variant (Variation ID: 3215532). Invitae Evidence Modeling of protein sequence and biophysical properties (such as structural, functional, and spatial information, amino acid conservation, physicochemical variation, residue mobility, and thermodynamic stability) indicates that this missense variant is not expected to disrupt PLXNA1 protein function with a negative predictive value of 80%. In summary, the available evidence is currently insufficient to determine the role of this variant in disease. Therefore, it has been classified as a Variant of Uncertain Significance.

Ambry Genetics
Classification: Uncertain significance. Last evaluated: 2024-01-23. Review status: criteria provided, single submitter. Criteria: Ambry Variant Classification Scheme 2023. Collection method: clinical testing. Allele origin: germline.

PreventionGenetics, part of Exact Sciences
Classification: Uncertain significance for PLXNA1-related condition. Last evaluated: 2024-03-27. Review status: no assertion criteria provided. Collection method: clinical testing. Allele origin: germline. Not counted in ClinVar's aggregate classification.
Comment: The PLXNA1 c.526G>A variant is predicted to result in the amino acid substitution p.Gly176Arg. To our knowledge, this variant has not been reported in the literature. This variant is reported in 0.0033% of alleles in individuals of South Asian descent in gnomAD. At this time, the clinical significance of this variant is uncertain due to the absence of conclusive functional and genetic evidence.

NM_032242.4(PLXNA1):c.526G>A (p.Gly176Arg)

Gene: PLXNA1 (plexin A1; plus strand). Cytogenetic location: 3q21.3.
Variant type: single nucleotide variant.
Coding change: c.526G>A on transcript NM_032242.4 (MANE Select); coding-DNA position 526, G replaced by A.
Protein change: p.Gly176Arg; replaces glycine 176 with arginine.
Molecular consequence: missense variant.
Genome position (GRCh38, 1-based): chr3:126,989,119, G>A. VCF-style: chr3-126989119-G-A. GRCh37 (hg19) VCF-style: chr3-126707962-G-A.
Other names: short protein forms G176R.
Identifiers: ClinVar variation 3215532 (VCV003215532.3), dbSNP rs564057481, ClinGen allele CA2592992.